The following is an entry in ClinVar:

ClinVar aggregate classification (germline): Uncertain significance. Review status: criteria provided, multiple submitters, no conflicts (2 of 4 stars). 2 submissions from 2 submitters: Uncertain significance (2). Last evaluated 2024-04-25.

Conditions:
Cardiovascular phenotype. Identifiers: MedGen CN230736.
Hypertrophic cardiomyopathy. Also called: HYPERTROPHIC MYOCARDIOPATHY. Identifiers: Orphanet 217569, MedGen C0007194, MeSH D002312, MONDO:0005045, HP:0001639.

Allele frequency attached by ClinVar (database versions not stated): gnomAD exomes below 0.00001; TOPMed below 0.00001; gnomAD 0.00001.

Submissions (2):

Labcorp Genetics (formerly Invitae), Labcorp
Classification: Uncertain significance for Hypertrophic cardiomyopathy. Last evaluated: 2024-04-25. Review status: criteria provided, single submitter. Criteria: Invitae Variant Classification Sherloc (09022015). Collection method: clinical testing. Allele origin: germline.
Comment: This sequence change replaces methionine, which is neutral and non-polar, with isoleucine, which is neutral and non-polar, at codon 19 of the MYOZ2 protein (p.Met19Ile). This variant is not present in population databases (gnomAD no frequency). This variant has not been reported in the literature in individuals affected with MYOZ2-related conditions. ClinVar contains an entry for this variant (Variation ID: 1749754). Advanced modeling of protein sequence and biophysical properties (such as structural, functional, and spatial information, amino acid conservation, physicochemical variation, residue mobility, and thermodynamic stability) performed at Invitae indicates that this missense variant is not expected to disrupt MYOZ2 protein function with a negative predictive value of 80%. In summary, the available evidence is currently insufficient to determine the role of this variant in disease. Therefore, it has been classified as a Variant of Uncertain Significance.

Ambry Genetics
Classification: Uncertain significance for Cardiovascular phenotype. Last evaluated: 2018-12-19. Review status: criteria provided, single submitter. Criteria: Ambry Variant Classification Scheme 2023. Collection method: clinical testing. Allele origin: germline.
Comment: The p.M19I variant (also known as c.57G>A), located in coding exon 1 of the MYOZ2 gene, results from a G to A substitution at nucleotide position 57. The methionine at codon 19 is replaced by isoleucine, an amino acid with highly similar properties. This amino acid position is well conserved in available vertebrate species. In addition, this alteration is predicted to be tolerated by in silico analysis. Since supporting evidence is limited at this time, the clinical significance of this alteration remains unclear.

NM_016599.5(MYOZ2):c.57G>A (p.Met19Ile)

Gene: MYOZ2 (myozenin 2; plus strand). Cytogenetic location: 4q26.
Variant type: single nucleotide variant.
Coding change: c.57G>A on transcript NM_016599.5 (MANE Select); coding-DNA position 57, G replaced by A.
Protein change: p.Met19Ile; replaces methionine 19 with isoleucine.
Molecular consequence: missense variant.
Genome position (GRCh38, 1-based): chr4:119,136,582, G>A. VCF-style: chr4-119136582-G-A. GRCh37 (hg19) VCF-style: chr4-120057737-G-A.
Other names: short protein forms M19I.
Identifiers: ClinVar variation 1749754 (VCV001749754.4), dbSNP rs1409885273, ClinGen allele CA358203308.